The following is an entry in ClinVar:

ClinVar aggregate classification (germline): Conflicting classifications of pathogenicity. Review status: criteria provided, conflicting classifications (1 of 4 stars). 6 submissions from 6 submitters: Uncertain significance (5); Likely benign (1). Last evaluated 2024-06-09.

Conditions:
Cardiovascular phenotype. Identifiers: MedGen CN230736.
Catecholaminergic polymorphic ventricular tachycardia (CVPT). Also called: Catecholamine-induced polymorphic ventricular tachycardia. Identifiers: Orphanet 3286, MedGen C5574922, MONDO:0017990.
Cardiomyopathy (CMYO). Also called: Cardiomyopathies. Identifiers: Orphanet 167848, MedGen C0878544, MONDO:0004994, HP:0001638. Inheritance: Various modes of inheritance.
Catecholaminergic polymorphic ventricular tachycardia 1. Also called: RYR2-Related Catecholaminergic Polymorphic Ventricular Tachycardia; VENTRICULAR TACHYCARDIA, CATECHOLAMINERGIC POLYMORPHIC, 1, WITH OR WITHOUT ATRIAL DYSFUNCTION AND/OR DILATED CARDIOMYOPATHY; VENTRICULAR TACHYCARDIA, STRESS-INDUCED POLYMORPHIC 1. Identifiers: Orphanet 3286, MedGen C1631597, MONDO:0011484, OMIM 604772.

Allele frequency attached by ClinVar (database versions not stated): gnomAD exomes 0.00001; TOPMed 0.00002; ExAC 0.00001; gnomAD 0.00001.
gnomAD v4.1: 10 of 1,613,774 alleles (0.00062%); highest among the groups gnomAD compares: African/African-American, 0.0027%; no homozygotes.

Submissions (6):

All of Us Research Program, National Institutes of Health
Classification: Uncertain significance for Catecholaminergic polymorphic ventricular tachycardia. Last evaluated: 2024-06-09. Review status: criteria provided, single submitter. Criteria: ACMG Guidelines, 2015. Collection method: clinical testing. Allele origin: germline. Inheritance: Autosomal dominant inheritance. Observed: 3 variant alleles, 3 heterozygotes.
Comment: This missense variant replaces alanine with valine at codon 1311 of the RYR2 protein. Computational prediction suggests that this variant may not impact protein structure and function (internally defined REVEL score threshold <= 0.5, PMID: 27666373). To our knowledge, functional studies have not been reported for this variant. This variant has been reported in an individual affected with long QT syndrome (PMID: 34873534). This variant has been identified in 2/248832 chromosomes in the general population by the Genome Aggregation Database (gnomAD). The available evidence is insufficient to determine the role of this variant in disease conclusively. Therefore, this variant is classified as a Variant of Uncertain Significance.

This study involves interpretation of variants in research participants for the purpose of population health screening. Participant phenotype was not available at the time of variant classification. Additional details can be found in publication PMID: 35346344, PMCID: PMC8962531

Color Diagnostics, LLC DBA Color Health
Classification: Uncertain significance for Cardiomyopathy. Last evaluated: 2024-04-16. Review status: criteria provided, single submitter. Criteria: ACMG Guidelines, 2015. Collection method: clinical testing. Allele origin: germline.
Comment: This missense variant replaces alanine with valine at codon 1311 of the RYR2 protein. Computational prediction suggests that this variant may not impact protein structure and function. To our knowledge, functional studies have not been reported for this variant. This variant has been reported in an individual affected with long QT syndrome (PMID: 34873534). This variant has been identified in 2/248832 chromosomes in the general population by the Genome Aggregation Database (gnomAD). The available evidence is insufficient to determine the role of this variant in disease conclusively. Therefore, this variant is classified as a Variant of Uncertain Significance.

Ambry Genetics
Classification: Uncertain significance for Cardiovascular phenotype. Last evaluated: 2024-03-11. Review status: criteria provided, single submitter. Criteria: Ambry Variant Classification Scheme 2023. Collection method: clinical testing. Allele origin: germline.
Comment: The p.A1311V variant (also known as c.3932C>T), located in coding exon 31 of the RYR2 gene, results from a C to T substitution at nucleotide position 3932. The alanine at codon 1311 is replaced by valine, an amino acid with similar properties. This variant was reported in a whole exome sequencing cohort; however, clinical details were limited (Landstrom AP et al. Circ Arrhythm Electrophysiol, 2017 Apr;10:). This variant has been reported in a pediatric cardiomyopathy cohort (Ware SM et al. Am J Hum Genet, 2022 Feb;109:282-298). This alteration was also reported in a subject with features of long QT syndrome (Lakhana M et al. Cureus, 2021 Nov;13:e19195). This amino acid position is highly conserved in available vertebrate species. In addition, the in silico prediction for this alteration is inconclusive. Since supporting evidence is limited at this time, the clinical significance of this alteration remains unclear.

GeneDx
Classification: Uncertain significance. Last evaluated: 2024-02-12. Review status: criteria provided, single submitter. Criteria: GeneDx Variant Classification Process June 2021. Collection method: clinical testing. Allele origin: germline. Affected: yes.
Comment: Identified in a patient with a prolonged QT interval and an episode of torsade de pointes in the context of electrolyte imbalance and QT-prolonging medications (PMID: 34873534); this patient also harbored a variant in the KCNH2 gene; Not observed at significant frequency in large population cohorts (gnomAD); Not located in one of the three hot-spot regions of the RYR2 gene, where the majority of pathogenic missense variants occur (PMID: 19926015); In silico analysis supports that this missense variant does not alter protein structure/function; This variant is associated with the following publications: (PMID: 19926015, 28404607, 34873534)

Labcorp Genetics (formerly Invitae), Labcorp
Classification: Likely benign for Catecholaminergic polymorphic ventricular tachycardia 1. Last evaluated: 2024-01-15. Review status: criteria provided, single submitter. Criteria: Invitae Variant Classification Sherloc (09022015). Collection method: clinical testing. Allele origin: germline.

Stanford Center for Inherited Cardiovascular Disease, Stanford University
Classification: Uncertain significance. Last evaluated: 2017-09-22. Review status: criteria provided, single submitter. Criteria: ACMG Guidelines, 2015. Collection method: provider interpretation. Allele origin: germline.

Literature cited by the submitters: PubMed 34873534 (cited by 3 submitters); PubMed 28404607 (cited by Ambry Genetics); PubMed 35026164 (cited by Ambry Genetics).

NM_001035.3(RYR2):c.3932C>T (p.Ala1311Val)

Genes: RYR2 (ryanodine receptor 2; plus strand), LOC126806067 (BRD4-independent group 4 enhancer GRCh37_chr1:237753258-237754457; plus strand). Cytogenetic location: 1q43.
Variant type: single nucleotide variant.
Coding change: c.3932C>T on transcript NM_001035.3 (MANE Select); coding-DNA position 3932, C replaced by T.
Protein change: p.Ala1311Val; replaces alanine 1311 with valine.
Molecular consequence: missense variant.
Genome position (GRCh38, 1-based): chr1:237,590,764, C>T. VCF-style: chr1-237590764-C-T. GRCh37 (hg19) VCF-style: chr1-237754064-C-T.
Other names: c.3932C>T, p.Ala1311Val (LRG_402t1); short protein forms A1311V.
Identifiers: ClinVar variation 532369 (VCV000532369.21), dbSNP rs757471928, ClinGen allele CA086503.
Genomic context (GRCh38, chr1:237,590,764, plus strand): 5'-GTTCTCAGAACAGCAACACTGATATCATGTTTTATCGCCTGAGCATGCCGATCGAGTGCG[C>T]GGAGGTCTTCTCCAAGACGGTGGCTGGAGGGCTCCCTGGGGCTGGCCTTTTTGGGCCCAA-3'
Protein context (NP_001026.2, residues 1301-1321): FYRLSMPIEC[Ala1311Val]EVFSKTVAGG